The following is an entry in ClinVar:

NM_001792.5(CDH2):c.1375G>A (p.Val459Ile)

Gene: CDH2 (cadherin 2; minus strand). Cytogenetic location: 18q12.1.
Variant type: single nucleotide variant.
Coding change: c.1375G>A on transcript NM_001792.5 (MANE Select); coding-DNA position 1375, G replaced by A.
Protein change: p.Val459Ile; replaces valine 459 with isoleucine.
Molecular consequence: missense variant.
Genome position (GRCh38, 1-based): chr18:27,990,320, C>T on the plus strand (G>A on the coding strand, the complement: CDH2 is on the minus strand). VCF-style: chr18-27990320-C-T. GRCh37 (hg19) VCF-style: chr18-25570284-C-T.
Other names: c.1282G>A, p.Val428Ile (NM_001308176.2); short protein forms V428I, V459I.
Identifiers: ClinVar variation 4868423 (VCV004868423.1).

ClinVar aggregate classification (germline): Uncertain significance (1 of 4 stars; one submission).

Conditions:
Inborn genetic diseases. Identifiers: MedGen C0950123, MeSH D030342.

Submission:

Ambry Genetics
Classification: Uncertain significance for Inborn genetic diseases. Last evaluated: 2026-05-14. Review status: criteria provided, single submitter. Criteria: Ambry Variant Classification Scheme 2023. Collection method: clinical testing. Allele origin: germline.
Comment: The p.V459I variant (also known as c.1375G>A), located in coding exon 10 of the CDH2 gene, results from a G to A substitution at nucleotide position 1375. The valine at codon 459 is replaced by isoleucine, an amino acid with highly similar properties. This amino acid position is conserved. In addition, this alteration is predicted to be tolerated by in silico analysis. Based on the available evidence, the clinical significance of this variant remains unclear.